The following is an entry in ClinVar:

NM_004423.4(DVL3):c.1760_1763del (p.Lys587fs)

Gene: DVL3 (dishevelled segment polarity protein 3; plus strand). Cytogenetic location: 3q27.1.
Variant type: Microsatellite.
Coding change: c.1760_1763del on transcript NM_004423.4 (MANE Select); coding-DNA positions 1760 to 1763, 4 bases deleted (AGGA; older notation c.1760_1763delAGGA).
Protein change: p.Lys587fs; shifts the reading frame from lysine 587.
Molecular consequence: frameshift variant.
Genome position (GRCh38, 1-based): chr3:184,170,364-184,170,367, AGGA deleted; deleting any 4 consecutive bases within chr3:184,170,360-184,170,367 gives the same sequence; the c. name uses the placement nearest the transcript's 3' end. VCF-style (leftmost placement, unchanged base first): chr3-184170359-GAGGA-G. GRCh37 (hg19) VCF-style: chr3-183888147-GAGGA-G.
Other names: c.1756_1759del (NM_004423.4); short protein forms K587fs.
Identifiers: ClinVar variation 1690811 (VCV001690811.2), dbSNP rs2109023897, ClinGen allele CA2580616019.
Genomic context (GRCh38, chr3:184,170,359, plus strand): 5'-GCCCTGTTTGCCTCCTACAGGCAGTCGGAGCAGTGGCTCCAACCGTAGCGGCAGCGATCG[GAGGA>G]AGGAGAAGGACCCGAAGGCCGGGGACTCCAAGTCCGGGGGCAGCGGCAGCGAATCGGACC-3'

ClinVar aggregate classification (germline): Likely pathogenic (1 of 4 stars; one submission).

Submission:

Laboratorio de Genetica e Diagnostico Molecular, Hospital Israelita Albert Einstein
Classification: Likely pathogenic. Last evaluated: 2020-01-28. Review status: criteria provided, single submitter. Criteria: ACMG Guidelines, 2015. Collection method: clinical testing. Allele origin: germline. Affected: yes.
Comment: ACMG classification criteria: PVS1, PM2